The following is an entry in ClinVar:

ClinVar aggregate classification (germline): Uncertain significance (1 of 4 stars; one submission).

Conditions:
Arrhythmogenic right ventricular cardiomyopathy (ARVD). Also called: Arrhythmogenic right ventricular dysplasia; Cardiomyopathy, ARVC; Arrhythmogenic cardiomyopathy; Arrhythmogenic Right Ventricular Cardiomyopathy (ARVC). Identifiers: Orphanet 247, MedGen C0349788, MeSH D019571, MONDO:0016587. Disease mechanism: loss of function. Inheritance: Various modes of inheritance.

Submission:

All of Us Research Program, National Institutes of Health
Classification: Uncertain significance for Arrhythmogenic right ventricular cardiomyopathy. Last evaluated: 2023-07-19. Review status: criteria provided, single submitter. Criteria: ACMG Guidelines, 2015. Collection method: clinical testing. Allele origin: germline. Inheritance: Autosomal dominant inheritance. Observed: 1 variant allele, 1 heterozygote.
Comment: This missense variant replaces asparagine with lysine at codon 182 of the DSG2 protein. Computational prediction suggests that this variant may not impact protein structure and function (internally defined REVEL score threshold <= 0.5, PMID: 27666373). To our knowledge, functional studies have not been reported for this variant. This variant has not been reported in individuals affected with DSG2-related disorders in the literature. This variant has not been identified in the general population by the Genome Aggregation Database (gnomAD). The available evidence is insufficient to determine the role of this variant in disease conclusively. Therefore, this variant is classified as a Variant of Uncertain Significance.

This study involves interpretation of variants in research participants for the purpose of population health screening. Participant phenotype was not available at the time of variant classification. Additional details can be found in publication PMID: 35346344, PMCID: PMC8962531

NM_001943.5(DSG2):c.546T>G (p.Asn182Lys)

Gene: DSG2 (desmoglein 2; plus strand). Cytogenetic location: 18q12.1.
Variant type: single nucleotide variant.
Coding change: c.546T>G on transcript NM_001943.5 (MANE Select); coding-DNA position 546, T replaced by G.
Protein change: p.Asn182Lys; replaces asparagine 182 with lysine.
Molecular consequence: missense variant.
Genome position (GRCh38, 1-based): chr18:31,522,105, T>G. VCF-style: chr18-31522105-T-G. GRCh37 (hg19) VCF-style: chr18-29102068-T-G.
Other names: short protein forms N182K.
Identifiers: ClinVar variation 3072458 (VCV003072458.1), dbSNP rs2510911569, ClinGen allele CA402133353.
Genomic context (GRCh38, chr18:31,522,105, plus strand): 5'-TTGAATTTCATCTTAGACATCTTTATTTCTAATGCCAGATACTCTTGTGATGAAAATCAA[T>G]GCAACAGATGCAGATGAGCCCAATACCCTGAATTCGAAAATTTCCTATAGAATCGTATCT-3'
Protein context (NP_001934.2, residues 172-192): SAAHTLVMKI[Asn182Lys]ATDADEPNTL